The following is an entry in ClinVar:

NM_000516.7(GNAS):c.137T>G (p.Leu46Arg)

Gene: GNAS (GNAS complex locus; plus strand). Cytogenetic location: 20q13.32.
Variant type: single nucleotide variant.
Coding change: c.137T>G on transcript NM_000516.7 (MANE Select); coding-DNA position 137, T replaced by G.
Protein change: p.Leu46Arg; replaces leucine 46 with arginine.
Molecular consequence: missense variant. On other transcripts: intron variant (6).
Genome position (GRCh38, 1-based): chr20:58,891,863, T>G. VCF-style: chr20-58891863-T-G. GRCh37 (hg19) VCF-style: chr20-57466918-T-G.
Other names: c.137T>G, p.Leu46Arg (NM_001077488.5, NM_001077489.4, NM_001309842.2 and 1 more transcripts); c.*43-3749T>G (NM_016592.5); c.-38-3749T>G (NM_001309861.2); c.*1-3749T>G (NM_001077490.3); c.2069-3749T>G (NM_080425.4); c.*159-3749T>G (NM_001309883.1); c.-39+2510T>G (NM_001309840.2); short protein forms L46R.
Identifiers: ClinVar variation 689463 (VCV000689463.2), dbSNP rs1600976255, ClinGen allele CA409449096.

ClinVar aggregate classification (germline): Conflicting classifications of pathogenicity. Review status: criteria provided, conflicting classifications (1 of 4 stars). 2 submissions from 2 submitters: Likely pathogenic (1); Uncertain significance (1). Last evaluated 2024-01-03.

Conditions:
Pseudohypoparathyroidism type 1C (PHP1C). Also called: Pseudohypoparathyroidism Ic (PHP-Ic); PHP IC; PSEUDOHYPOPARATHYROIDISM, TYPE IC. Identifiers: Orphanet 79444, MedGen C2932716, MONDO:0012911, OMIM 612462.
Pseudohypoparathyroidism type 1B (PHP1B). Also called: PHP IB; Pseudohypoparathyroidism Type IB; Pseudohypoparathyroidism Ib (PHP-Ib). Identifiers: Orphanet 94089, MedGen C1864100, MONDO:0011301, OMIM 603233.
Pseudopseudohypoparathyroidism (PPHP). Also called: Pseudopseudohypoparathyroidism (PPHP); ALBRIGHT HEREDITARY OSTEODYSTROPHY WITHOUT MULTIPLE HORMONE RESISTANCE. Identifiers: Orphanet 79445, MedGen C0033835, MONDO:0012912, OMIM 612463.
Progressive osseous heteroplasia (POH). Also called: Osseus Heteroplasia, Progressive; ECTOPIC OSSIFICATION, FAMILIAL; Osteoma cutis; Progressive Osseus Heteroplasia (POH). Identifiers: Orphanet 2762, MedGen C0334041, MONDO:0008153, OMIM 166350, HP:0025027.
Pseudohypoparathyroidism type I A (PHP1A). Also called: PHP IA; Pseudohypoparathyroidism type 1A; Pseudohypoparathyroidism Type IA; ALBRIGHT HEREDITARY OSTEODYSTROPHY WITH MULTIPLE HORMONE RESISTANCE; Pseudohypoparathyroidism Ia (PHP-Ia). Identifiers: Orphanet 79443, MedGen C3494506, MONDO:0007078, OMIM 103580.
Pseudohypoparathyroidism (PHP1A). Identifiers: Orphanet 79443, Orphanet 97593, MedGen C0033806, MONDO:0019992, HP:0000852.

Submissions (2):

Clinical Genomics Laboratory, Washington University in St. Louis
Classification: Likely pathogenic for Pseudopseudohypoparathyroidism; Progressive osseous heteroplasia; Pseudohypoparathyroidism type 1C; Pseudohypoparathyroidism type I A; Pseudohypoparathyroidism type 1B. Last evaluated: 2024-01-03. Review status: criteria provided, single submitter. Criteria: ACMG Guidelines, 2015. Collection method: clinical testing. Allele origin: germline. Affected: yes.
Comment: The GNAS c.137T>G (p.Leu46Arg) variant, to our knowledge, has not been reported in the medical literature and is absent from the general population (gnomAD v.2.1.1), indicating it is not a common variant. Computational predictors indicate that the variant is damaging, evidence that correlates with impact to GNAS function. This variant has been reported in the ClinVar database as a germline variant of uncertain significance for pseudohypoparathyroidism type IA by one submitter. Based on available information and the ACMG/AMP guidelines for variant interpretation (Richards S et al., PMID: 25741868), this variant is classified as likely pathogenic.

Johns Hopkins Genomics, Johns Hopkins University
Classification: Uncertain significance for Pseudohypoparathyroidism type I A. Last evaluated: 2019-06-18. Review status: criteria provided, single submitter. Criteria: ACMG Guidelines, 2015. Collection method: clinical testing. Allele origin: germline.
Comment: This GNAS variant is absent from large population datasets and has not been reported in ClinVar or the literature, to our knowledge. Two bioinformatic tools queried predict that this substitution would be probably damaging/damaging, and the leucine residue at this position is poorly evolutionarily conserved across the species assessed. Bioinformatic analysis predicts that this synonymous variant would not affect normal exon 1 splicing, although this has not been confirmed experimentally to our knowledge. The clinical significance of c.137T>G is uncertain at this time.